The following is an entry in ClinVar:

NM_203447.4(DOCK8):c.4915G>A (p.Asp1639Asn)

Gene: DOCK8 (dedicator of cytokinesis 8; plus strand). Cytogenetic location: 9p24.3.
Variant type: single nucleotide variant.
Coding change: c.4915G>A on transcript NM_203447.4 (MANE Select); coding-DNA position 4915, G replaced by A.
Protein change: p.Asp1639Asn; replaces aspartic acid 1639 with asparagine.
Molecular consequence: missense variant.
Genome position (GRCh38, 1-based): chr9:434,811, G>A. VCF-style: chr9-434811-G-A. GRCh37 (hg19) VCF-style: chr9-434811-G-A.
Other names: c.4615G>A, p.Asp1539Asn (NM_001190458.2); c.4711G>A, p.Asp1571Asn (NM_001193536.2); short protein forms D1639N, D1571N, D1539N.
Identifiers: ClinVar variation 847140 (VCV000847140.10), dbSNP rs2056839181, ClinGen allele CA372767238.

ClinVar aggregate classification (germline): Uncertain significance (1 of 4 stars; one submission).

Conditions:
Combined immunodeficiency due to DOCK8 deficiency (HIES2). Also called: HIES autosomal recessive; DOCK8 Deficiency; HYPER-IgE RECURRENT INFECTION SYNDROME 2, AUTOSOMAL RECESSIVE; HYPER-IgE SYNDROME 2, AUTOSOMAL RECESSIVE, WITH RECURRENT INFECTIONS; Hyper-IgE recurrent infection syndrome, autosomal recessive. Identifiers: Orphanet 217390, MedGen C4722305, MONDO:0009478, OMIM 243700.

Allele frequency attached by ClinVar (database versions not stated): gnomAD exomes below 0.00001.
gnomAD v4.1: 1 of 1,614,142 alleles (0.000062%); highest among the groups gnomAD compares: Non-Finnish European, 0.000085%; no homozygotes.

Submission:

Labcorp Genetics (formerly Invitae), Labcorp
Classification: Uncertain significance for Combined immunodeficiency due to DOCK8 deficiency. Last evaluated: 2023-10-06. Review status: criteria provided, single submitter. Criteria: Invitae Variant Classification Sherloc (09022015). Collection method: clinical testing. Allele origin: germline.
Comment: This sequence change replaces aspartic acid, which is acidic and polar, with asparagine, which is neutral and polar, at codon 1639 of the DOCK8 protein (p.Asp1639Asn). This variant is not present in population databases (gnomAD no frequency). This variant has not been reported in the literature in individuals affected with DOCK8-related conditions. ClinVar contains an entry for this variant (Variation ID: 847140). Advanced modeling of protein sequence and biophysical properties (such as structural, functional, and spatial information, amino acid conservation, physicochemical variation, residue mobility, and thermodynamic stability) performed at Invitae indicates that this missense variant is expected to disrupt DOCK8 protein function. In summary, the available evidence is currently insufficient to determine the role of this variant in disease. Therefore, it has been classified as a Variant of Uncertain Significance.